The following is an entry in ClinVar:

ClinVar aggregate classification (germline): Uncertain significance (1 of 4 stars; one submission).

Conditions:
Tuberous sclerosis 2 (TSC2). Identifiers: Orphanet 805, MedGen C1860707, MONDO:0013199, OMIM 613254.

Submission:

Labcorp Genetics (formerly Invitae), Labcorp
Classification: Uncertain significance for Tuberous sclerosis 2. Last evaluated: 2022-08-03. Review status: criteria provided, single submitter. Criteria: Invitae Variant Classification Sherloc (09022015). Collection method: clinical testing. Allele origin: germline.
Comment: This sequence change replaces proline, which is neutral and non-polar, with serine, which is neutral and polar, at codon 1784 of the TSC2 protein (p.Pro1784Ser). This variant is not present in population databases (gnomAD no frequency). This variant has not been reported in the literature in individuals affected with TSC2-related conditions. Advanced modeling of protein sequence and biophysical properties (such as structural, functional, and spatial information, amino acid conservation, physicochemical variation, residue mobility, and thermodynamic stability) performed at Invitae indicates that this missense variant is not expected to disrupt TSC2 protein function. In summary, the available evidence is currently insufficient to determine the role of this variant in disease. Therefore, it has been classified as a Variant of Uncertain Significance.

NM_000548.5(TSC2):c.5350C>T (p.Pro1784Ser)

Gene: TSC2 (TSC complex subunit 2; plus strand). Cytogenetic location: 16p13.3.
Variant type: single nucleotide variant.
Coding change: c.5350C>T on transcript NM_000548.5 (MANE Select); coding-DNA position 5350, C replaced by T.
Protein change: p.Pro1784Ser; replaces proline 1784 with serine.
Molecular consequence: missense variant.
Genome position (GRCh38, 1-based): chr16:2,088,536, C>T. VCF-style: chr16-2088536-C-T. GRCh37 (hg19) VCF-style: chr16-2138537-C-T.
Other names: c.5281C>T, p.Pro1761Ser (NM_001114382.3); c.5041C>T, p.Pro1681Ser (NM_001318827.2); c.5005C>T, p.Pro1669Ser (NM_001318829.2); c.4618C>T, p.Pro1540Ser (NM_001318831.2); c.5182C>T, p.Pro1728Ser (NM_001318832.2); c.5152C>T, p.Pro1718Ser (NM_001363528.2); c.5218C>T, p.Pro1740Ser (NM_001370404.1); c.5209C>T, p.Pro1737Ser (NM_001370405.1); and 27 more; short protein forms P1183S, P1269S, P1270S, P1292S, P1293S, P1313S, P1517S, P1518S.
Identifiers: ClinVar variation 1714987 (VCV001714987.5), dbSNP rs1327577470, ClinGen allele CA394315737.